The following is an entry in ClinVar:

ClinVar aggregate classification (germline): Likely benign. Review status: criteria provided, multiple submitters, no conflicts (2 of 4 stars). 3 submissions from 3 submitters: Likely benign (3). Last evaluated 2025-01-01.

Conditions:
Hereditary cancer-predisposing syndrome. Also called: Hereditary Cancer Syndrome; Hereditary neoplastic syndrome; Neoplastic Syndromes, Hereditary; Tumor predisposition. Identifiers: Orphanet 140162, MedGen C0027672, MeSH D009386, MONDO:0015356.

Submissions (3):

Labcorp Genetics (formerly Invitae), Labcorp
Classification: Likely benign. Last evaluated: 2025-01-01. Review status: criteria provided, single submitter. Criteria: Invitae Variant Classification Sherloc (09022015). Collection method: clinical testing. Allele origin: germline.

Ambry Genetics
Classification: Likely benign for Hereditary cancer-predisposing syndrome. Last evaluated: 2019-05-27. Review status: criteria provided, single submitter. Criteria: Ambry Variant Classification Scheme 2023. Collection method: clinical testing. Allele origin: germline.

GeneDx
Classification: Likely benign. Last evaluated: 2016-08-18. Review status: criteria provided, single submitter. Criteria: GeneDx Variant Classification (06012015). Collection method: clinical testing. Allele origin: germline. Affected: yes.
Comment: This variant is considered likely benign or benign based on one or more of the following criteria: it is a conservative change, it occurs at a poorly conserved position in the protein, it is predicted to be benign by multiple in silico algorithms, and/or has population frequency not consistent with disease.

NM_006231.4(POLE):c.3084G>A (p.Glu1028=)

Gene: POLE (DNA polymerase epsilon, catalytic subunit; minus strand). Cytogenetic location: 12q24.33.
Variant type: single nucleotide variant.
Coding change: c.3084G>A on transcript NM_006231.4 (MANE Select); coding-DNA position 3084, G replaced by A.
Protein change: p.Glu1028=; no amino-acid change (glutamic acid 1028 retained).
Molecular consequence: synonymous variant.
Genome position (GRCh38, 1-based): chr12:132,659,486, C>T on the plus strand (G>A on the coding strand, the complement: POLE is on the minus strand). VCF-style: chr12-132659486-C-T. GRCh37 (hg19) VCF-style: chr12-133236072-C-T.
Identifiers: ClinVar variation 383858 (VCV000383858.5), dbSNP rs1057521764, ClinGen allele CA16606531.